The following is an entry in ClinVar:

ClinVar aggregate classification (germline): Conflicting classifications of pathogenicity. Review status: criteria provided, conflicting classifications (1 of 4 stars). 2 submissions from 2 submitters: Uncertain significance (1); Likely benign (1). Last evaluated 2026-07-01.

gnomAD v4.1: 20 of 1,613,444 alleles (0.0012%); highest among the groups gnomAD compares: Non-Finnish European, 0.0017%; no homozygotes.

Submissions (2):

CeGaT Center for Human Genetics Tuebingen
Classification: Likely benign. Last evaluated: 2026-07-01. Review status: criteria provided, single submitter. Criteria: CeGaT Center For Human Genetics Tuebingen Variant Classification Criteria Version 2. Collection method: clinical testing. Allele origin: germline. Affected: yes. Observed: 2 variant alleles.
Comment: CDK12: BP4

Ambry Genetics
Classification: Uncertain significance. Last evaluated: 2024-10-28. Review status: criteria provided, single submitter. Criteria: Ambry Variant Classification Scheme 2023. Collection method: clinical testing. Allele origin: germline.

NM_016507.4(CDK12):c.1598C>T (p.Ala533Val)

Gene: CDK12 (cyclin dependent kinase 12; plus strand). Cytogenetic location: 17q12.
Variant type: single nucleotide variant.
Coding change: c.1598C>T on transcript NM_016507.4 (MANE Select); coding-DNA position 1598, C replaced by T.
Protein change: p.Ala533Val; replaces alanine 533 with valine.
Molecular consequence: missense variant.
Genome position (GRCh38, 1-based): chr17:39,471,430, C>T. VCF-style: chr17-39471430-C-T. GRCh37 (hg19) VCF-style: chr17-37627683-C-T.
Other names: c.1598C>T, p.Ala533Val (NM_015083.4); short protein forms A533V.
Identifiers: ClinVar variation 3489422 (VCV003489422.2).
Genomic context (GRCh38, chr17:39,471,430, plus strand): 5'-TTACTCCAAAGGAGACAGAAACATCAGAAAAGGAGACCCCTCCACCTCTTCCCACAATTG[C>T]TTCTCCCCCACCCCCTCTACCAACTACTACCCCTCCACCTCAGACACCCCCTTTGCCACC-3'
Protein context (NP_057591.2, residues 523-543): KETPPPLPTI[Ala533Val]SPPPPLPTTT